The following is an entry in ClinVar:

NM_004006.3(DMD):c.8833G>T (p.Glu2945Ter)

Gene: DMD (dystrophin; minus strand). Cytogenetic location: Xp21.2.
Variant type: single nucleotide variant.
Coding change: c.8833G>T on transcript NM_004006.3 (MANE Select); coding-DNA position 8833, G replaced by T.
Protein change: p.Glu2945Ter; replaces glutamic acid 2945 with a stop codon.
Molecular consequence: nonsense.
Genome position (GRCh38, 1-based): chrX:31,478,210, C>A on the plus strand (G>T on the coding strand, the complement: DMD is on the minus strand). VCF-style: chrX-31478210-C-A. GRCh37 (hg19) VCF-style: chrX-31496327-C-A.
Other names: c.8809G>T, p.Glu2937Ter (NM_000109.4); c.8821G>T, p.Glu2941Ter (NM_004009.3); c.8464G>T, p.Glu2822Ter (NM_004010.3); c.4810G>T, p.Glu1604Ter (NM_004011.4); c.4801G>T, p.Glu1601Ter (NM_004012.4); c.1453G>T, p.Glu485Ter (NM_004013.3, NM_004020.4, NM_004021.3 and 2 more transcripts); c.646G>T, p.Glu216Ter (NM_004014.3); short protein forms E1604*, E2941*, E216*, E485*, E2822*, E2937*, E1601*, E2945*.
Identifiers: ClinVar variation 2768044 (VCV002768044.3), dbSNP rs2525295490, ClinGen allele CA412654053.

ClinVar aggregate classification (germline): Pathogenic (1 of 4 stars; one submission).

Conditions:
Duchenne muscular dystrophy (DMD). Also called: MUSCULAR DYSTROPHY, PSEUDOHYPERTROPHIC PROGRESSIVE, DUCHENNE TYPE; Duchenne Muscular Dystrophy (DMD). Identifiers: Orphanet 98896, MedGen C0013264, MONDO:0010679, OMIM 310200.

Submission:

Labcorp Genetics (formerly Invitae), Labcorp
Classification: Pathogenic for Duchenne muscular dystrophy. Last evaluated: 2023-10-13. Review status: criteria provided, single submitter. Criteria: Invitae Variant Classification Sherloc (09022015). Collection method: clinical testing. Allele origin: germline.
Comment: This sequence change creates a premature translational stop signal (p.Glu2945*) in the DMD gene. It is expected to result in an absent or disrupted protein product. Loss-of-function variants in DMD are known to be pathogenic (PMID: 16770791, 25007885). This variant is not present in population databases (gnomAD no frequency). This variant has not been reported in the literature in individuals affected with DMD-related conditions. For these reasons, this variant has been classified as Pathogenic.

Literature cited by the submitters: PubMed 16770791; PubMed 25007885.